The following is an entry in ClinVar:

ClinVar aggregate classification (germline): Uncertain significance (1 of 4 stars; one submission).

Submission:

GeneDx
Classification: Uncertain significance. Last evaluated: 2025-04-24. Review status: criteria provided, single submitter. Criteria: GeneDx Variant Classification Process June 2021. Collection method: clinical testing. Allele origin: germline. Affected: yes.
Comment: Not observed at significant frequency in large population cohorts (gnomAD); In silico analysis indicates that this missense variant does not alter protein structure/function; Has not been previously published as pathogenic or benign to our knowledge

NM_020987.5(ANK3):c.11003A>C (p.Glu3668Ala)

Gene: ANK3 (ankyrin 3; minus strand). Cytogenetic location: 10q21.2.
Variant type: single nucleotide variant.
Coding change: c.11003A>C on transcript NM_020987.5 (MANE Select); coding-DNA position 11003, A replaced by C.
Protein change: p.Glu3668Ala; replaces glutamic acid 3668 with alanine.
Molecular consequence: missense variant. On other transcripts: intron variant (4).
Genome position (GRCh38, 1-based): chr10:60,069,878, T>G on the plus strand (A>C on the coding strand, the complement: ANK3 is on the minus strand). VCF-style: chr10-60069878-T-G. GRCh37 (hg19) VCF-style: chr10-61829636-T-G.
Other names: c.1808-1869A>C (NM_001149.4); c.4388-1869A>C (NM_001204403.2); c.4409-1869A>C (NM_001204404.2); c.4406-1869A>C (NM_001320874.2); short protein forms E3668A.
Identifiers: ClinVar variation 4527548 (VCV004527548.1).